The following is an entry in ClinVar:

NM_001166108.2(PALLD):c.1965-12620G>T

Gene: PALLD (palladin, cytoskeletal associated protein; plus strand). Cytogenetic location: 4q32.3.
Variant type: single nucleotide variant.
Coding change: c.1965-12620G>T on transcript NM_001166108.2 (MANE Select); 12620 bases into the intron before coding-DNA position 1965, G replaced by T.
Molecular consequence: intron variant. On other transcripts: missense variant (1).
Genome position (GRCh38, 1-based): chr4:168,878,302, G>T. VCF-style: chr4-168878302-G-T. GRCh37 (hg19) VCF-style: chr4-169799453-G-T.
Other names: c.-157-12620G>T (NM_001367570.1, NM_001367568.1, NM_001367567.1 and 1 more transcripts); c.411G>T, p.Gln137His (NM_001166110.2); c.1965-12620G>T (NM_016081.4); c.819-12620G>T (NM_001166109.2); short protein forms Q137H.
Identifiers: ClinVar variation 3603724 (VCV003603724.2).

ClinVar aggregate classification (germline): Uncertain significance (1 of 4 stars; one submission).

Conditions:
Pancreatic adenocarcinoma. Identifiers: MedGen C0281361, MONDO:0006047, HP:0006725.

gnomAD v4.1: 5 of 1,527,122 alleles (0.00033%); highest among the groups gnomAD compares: Non-Finnish European, 0.00044%; no homozygotes.

Submission:

Labcorp Genetics (formerly Invitae), Labcorp
Classification: Uncertain significance for Pancreatic adenocarcinoma. Last evaluated: 2024-06-09. Review status: criteria provided, single submitter. Criteria: Invitae Variant Classification Sherloc (09022015). Collection method: clinical testing. Allele origin: germline.
Comment: This sequence change replaces glutamine, which is neutral and polar, with histidine, which is basic and polar, at codon 137 of the PALLD protein (p.Gln137His). This variant is not present in population databases (gnomAD no frequency). This variant has not been reported in the literature in individuals affected with PALLD-related conditions. An algorithm developed to predict the effect of missense changes on protein structure and function (PolyPhen-2) suggests that this variant is likely to be tolerated. In summary, the available evidence is currently insufficient to determine the role of this variant in disease. Therefore, it has been classified as a Variant of Uncertain Significance.